The following is an entry in ClinVar:

NM_001830.4(CLCN4):c.1829C>T (p.Ser610Leu)

Gene: CLCN4 (chloride voltage-gated channel 4; plus strand). Cytogenetic location: Xp22.2.
Variant type: single nucleotide variant.
Coding change: c.1829C>T on transcript NM_001830.4 (MANE Select); coding-DNA position 1829, C replaced by T.
Protein change: p.Ser610Leu; replaces serine 610 with leucine.
Molecular consequence: missense variant.
Genome position (GRCh38, 1-based): chrX:10,213,933, C>T. VCF-style: chrX-10213933-C-T. GRCh37 (hg19) VCF-style: chrX-10181973-C-T.
Other names: c.1547C>T, p.Ser516Leu (NM_001256944.2); short protein forms S610L, S516L.
Identifiers: ClinVar variation 546273 (VCV000546273.11), dbSNP rs1358498600, ClinGen allele CA412042716.

ClinVar aggregate classification (germline): Uncertain significance. Review status: criteria provided, multiple submitters, no conflicts (2 of 4 stars). 3 submissions from 3 submitters: Uncertain significance (3). Last evaluated 2024-02-17.

Conditions:
Inborn genetic diseases. Identifiers: MedGen C0950123, MeSH D030342.

Allele frequency attached by ClinVar (database versions not stated): gnomAD exomes below 0.00001 and 0.00001.
gnomAD v4.1: 7 of 1,212,052 alleles (0.00058%); highest among the groups gnomAD compares: Admixed American, 0.0022%; no homozygotes.

Submissions (3):

Labcorp Genetics (formerly Invitae), Labcorp
Classification: Uncertain significance. Last evaluated: 2024-02-17. Review status: criteria provided, single submitter. Criteria: Invitae Variant Classification Sherloc (09022015). Collection method: clinical testing. Allele origin: germline.
Comment: This sequence change replaces serine, which is neutral and polar, with leucine, which is neutral and non-polar, at codon 610 of the CLCN4 protein (p.Ser610Leu). This variant is present in population databases (no rsID available, gnomAD 0.004%). This variant has not been reported in the literature in individuals affected with CLCN4-related conditions. ClinVar contains an entry for this variant (Variation ID: 546273). Advanced modeling of protein sequence and biophysical properties (such as structural, functional, and spatial information, amino acid conservation, physicochemical variation, residue mobility, and thermodynamic stability) performed at Invitae indicates that this missense variant is not expected to disrupt CLCN4 protein function with a negative predictive value of 80%. In summary, the available evidence is currently insufficient to determine the role of this variant in disease. Therefore, it has been classified as a Variant of Uncertain Significance.

Ambry Genetics
Classification: Uncertain significance for Inborn genetic diseases. Last evaluated: 2022-10-05. Review status: criteria provided, single submitter. Criteria: Ambry Variant Classification Scheme 2023. Collection method: clinical testing. Allele origin: germline.

GeneDx
Classification: Uncertain significance. Last evaluated: 2018-05-18. Review status: criteria provided, single submitter. Criteria: GeneDx Variant Classification (06012015). Collection method: clinical testing. Allele origin: germline. Affected: yes.
Comment: The S610L variant in the CLCN4 gene has not been reported previously as a pathogenic variant, nor as a benign variant, to our knowledge. The S610L variant is observed in 1/26534 (0.004%) alleles from individuals of Latino background, in large population cohorts (Lek et al., 2016). The S610L variant is a non-conservative amino acid substitution, which is likely to impact secondary protein structure as these residues differ in polarity, charge, size and/or other properties. In-silico analyses, including protein predictors and evolutionary conservation, support a deleterious effect. We interpret S610L as a variant of uncertain significance